The following is an entry in ClinVar:

NM_194454.3(KRIT1):c.1012C>T (p.Arg338Cys)

Gene: KRIT1 (KRIT1 ankyrin repeat containing; minus strand). Cytogenetic location: 7q21.2.
Variant type: single nucleotide variant.
Coding change: c.1012C>T on transcript NM_194454.3 (MANE Select); coding-DNA position 1012, C replaced by T.
Protein change: p.Arg338Cys; replaces arginine 338 with cysteine.
Molecular consequence: missense variant.
Genome position (GRCh38, 1-based): chr7:92,226,660, G>A on the plus strand (C>T on the coding strand, the complement: KRIT1 is on the minus strand). VCF-style: chr7-92226660-G-A. GRCh37 (hg19) VCF-style: chr7-91855974-G-A.
Other names: c.868C>T, p.Arg290Cys (NM_001013406.2, NM_001350669.1, NM_001350670.1); c.298C>T, p.Arg100Cys (NM_001350671.1); c.1012C>T, p.Arg338Cys (NM_001350672.1, NM_001350673.1, NM_001350674.1 and 26 more transcripts); short protein forms R290C, R338C, R100C.
Identifiers: ClinVar variation 1467124 (VCV001467124.9), dbSNP rs376805857, ClinGen allele CA4339230.

ClinVar aggregate classification (germline): Conflicting classifications of pathogenicity. Review status: criteria provided, conflicting classifications (1 of 4 stars). 3 submissions from 3 submitters: Uncertain significance (2); Likely benign (1). Last evaluated 2025-03-15.

Conditions:
Inborn genetic diseases. Identifiers: MedGen C0950123, MeSH D030342.
Cerebral cavernous malformation (CCM). Also called: Cerebral cavernous hemangioma (type); CAVERNOUS ANGIOMA, FAMILIAL; CAVERNOUS ANGIOMATOUS MALFORMATIONS; CEREBRAL CAPILLARY MALFORMATIONS; Cavernous Hemangioma of Brain; Cerebral cavernous malformations. Identifiers: Orphanet 221061, MedGen C2919945, MONDO:0000820, OMIM 116860, HP:0033522.

Allele frequency attached by ClinVar (database versions not stated): ExAC 0.00005; gnomAD 0.00005; ESP Exome Variant Server 0.00008.
gnomAD v4.1: 71 of 1,612,964 alleles (0.0044%); highest among the groups gnomAD compares: Middle Eastern, 0.033%; no homozygotes.

Submissions (3):

Labcorp Genetics (formerly Invitae), Labcorp
Classification: Uncertain significance for Cerebral cavernous malformation. Last evaluated: 2025-03-15. Review status: criteria provided, single submitter. Criteria: Invitae Variant Classification Sherloc (09022015). Collection method: clinical testing. Allele origin: germline.
Comment: This sequence change replaces arginine, which is basic and polar, with cysteine, which is neutral and slightly polar, at codon 338 of the KRIT1 protein (p.Arg338Cys). This variant is present in population databases (rs376805857, gnomAD 0.01%). This variant has not been reported in the literature in individuals affected with KRIT1-related conditions. ClinVar contains an entry for this variant (Variation ID: 1467124). Invitae Evidence Modeling of protein sequence and biophysical properties (such as structural, functional, and spatial information, amino acid conservation, physicochemical variation, residue mobility, and thermodynamic stability) indicates that this missense variant is not expected to disrupt KRIT1 protein function with a negative predictive value of 80%. In summary, the available evidence is currently insufficient to determine the role of this variant in disease. Therefore, it has been classified as a Variant of Uncertain Significance.

Clinical Genomics Laboratory, Washington University in St. Louis
Classification: Uncertain significance for Cerebral cavernous malformation. Last evaluated: 2024-07-19. Review status: criteria provided, single submitter. Criteria: ACMG Guidelines, 2015. Collection method: clinical testing. Allele origin: germline.
Comment: A KRIT1 c.1012C>T (p.Arg338Cys) variant was identified at a near heterozygous allelic fraction of 41.3%, a frequency which may be consistent with it being of germline origin. This variant, to our knowledge, has not been reported in the medical literature. It is observed on 71/1,612,964 alleles in the general population (gnomAD v.4.1.0). This variant has been reported in the ClinVar database as a germline variant of uncertain significance by one submitter and likely benign variant by another submitter (ClinVar ID: 1467124). Computational predictors are uncertain as to the impact of this variant on KRIT1 function. Due to limited information, and based on ACMG/AMP guidelines for variant interpretation (Richards S et al., PMID: 25741868), the clinical significance of the KRIT1 c.1012C>T (p.Arg338Cys) variant is uncertain at this time.

Ambry Genetics
Classification: Likely benign for Inborn genetic diseases. Last evaluated: 2023-02-09. Review status: criteria provided, single submitter. Criteria: Ambry Variant Classification Scheme 2023. Collection method: clinical testing. Allele origin: germline.